The following is an entry in ClinVar:

NM_052947.4(ALPK2):c.5447A>G (p.Asp1816Gly)

Gene: ALPK2 (alpha kinase 2; minus strand). Cytogenetic location: 18q21.31.
Variant type: single nucleotide variant.
Coding change: c.5447A>G on transcript NM_052947.4 (MANE Select); coding-DNA position 5447, A replaced by G.
Protein change: p.Asp1816Gly; replaces aspartic acid 1816 with glycine.
Molecular consequence: missense variant.
Genome position (GRCh38, 1-based): chr18:58,529,145, T>C on the plus strand (A>G on the coding strand, the complement: ALPK2 is on the minus strand). VCF-style: chr18-58529145-T-C. GRCh37 (hg19) VCF-style: chr18-56196377-T-C.
Other names: short protein forms D1816G.
Identifiers: ClinVar variation 3228799 (VCV003228799.1), dbSNP rs2518869569, ClinGen allele CA402553870.

ClinVar aggregate classification (germline): Uncertain significance (1 of 4 stars; one submission).

Submission:

Ambry Genetics
Classification: Uncertain significance. Last evaluated: 2024-01-31. Review status: criteria provided, single submitter. Criteria: Ambry Variant Classification Scheme 2023. Collection method: clinical testing. Allele origin: germline.
Comment: The p.D1816G variant (also known as c.5447A>G), located in coding exon 5 of the ALPK2 gene, results from an A to G substitution at nucleotide position 5447. The aspartic acid at codon 1816 is replaced by glycine, an amino acid with similar properties. This amino acid position is conserved. In addition, the in silico prediction for this alteration is inconclusive. Based on the available evidence, the clinical significance of this alteration remains unclear.